The following is an entry in ClinVar:

ClinVar aggregate classification (germline): Uncertain significance (1 of 4 stars; one submission).

Conditions:
Developmental and epileptic encephalopathy, 1 (DEE1). Also called: X-linked infantile spasms; West's syndrome; Tonic spasms with clustering, arrest of psychomotor development and hypsarrhythmia on EEG; X-Linked Infantile Spasm Syndrome; OHTAHARA SYNDROME, X-LINKED; INFANTILE SPASM SYNDROME, X-LINKED 1. Identifiers: MedGen C3463992, MONDO:0010632, OMIM 308350. Disease mechanism: loss of function.
Autosomal dominant nonsyndromic hearing loss 65. Also called: Deafness, autosomal dominant 65; TBC1D24-Related Autosomal Dominant Nonsyndromic Hearing Loss (DFNA). Identifiers: Orphanet 90635, MedGen C3892048, MONDO:0014470, OMIM 616044.

Submission:

Labcorp Genetics (formerly Invitae), Labcorp
Classification: Uncertain significance for Developmental and epileptic encephalopathy, 1; Autosomal dominant nonsyndromic hearing loss 65. Last evaluated: 2024-11-18. Review status: criteria provided, single submitter. Criteria: Invitae Variant Classification Sherloc (09022015). Collection method: clinical testing. Allele origin: germline.
Comment: This sequence change replaces glycine, which is neutral and non-polar, with aspartic acid, which is acidic and polar, at codon 502 of the TBC1D24 protein (p.Gly502Asp). This variant is not present in population databases (gnomAD no frequency). This variant has not been reported in the literature in individuals affected with TBC1D24-related conditions. ClinVar contains an entry for this variant (Variation ID: 2067221). Invitae Evidence Modeling of protein sequence and biophysical properties (such as structural, functional, and spatial information, amino acid conservation, physicochemical variation, residue mobility, and thermodynamic stability) indicates that this missense variant is not expected to disrupt TBC1D24 protein function with a negative predictive value of 95%. In summary, the available evidence is currently insufficient to determine the role of this variant in disease. Therefore, it has been classified as a Variant of Uncertain Significance.

NM_001199107.2(TBC1D24):c.1505G>A (p.Gly502Asp)

Gene: TBC1D24 (TBC1 domain family member 24; plus strand). Cytogenetic location: 16p13.3.
Variant type: single nucleotide variant.
Coding change: c.1505G>A on transcript NM_001199107.2 (MANE Select); coding-DNA position 1505, G replaced by A.
Protein change: p.Gly502Asp; replaces glycine 502 with aspartic acid.
Molecular consequence: missense variant.
Genome position (GRCh38, 1-based): chr16:2,500,470, G>A. VCF-style: chr16-2500470-G-A. GRCh37 (hg19) VCF-style: chr16-2550471-G-A.
Other names: c.1487G>A, p.Gly496Asp (NM_020705.3); short protein forms G502D, G496D.
Identifiers: ClinVar variation 2067221 (VCV002067221.4), dbSNP rs1436306768, ClinGen allele CA394381293.
Genomic context (GRCh38, chr16:2,500,470, plus strand): 5'-TCCTGGCCGCTCGCCACTTCAACCTGCCCTCCAAGACCGAGTCCATGTTCATGGCGGGGG[G>A]CAGCGACTGCCTCATCGTCGGTGAGCGCCAGCAGACGGGGCTCTGGGATGAGGGTGTGGG-3'
Protein context (NP_001186036.1, residues 492-512): SKTESMFMAG[Gly502Asp]SDCLIVGGGG